The following is an entry in ClinVar:

NM_000051.4(ATM):c.3077+15T>C

Gene: ATM (ATM serine/threonine kinase; plus strand). Cytogenetic location: 11q22.3.
Variant type: single nucleotide variant.
Coding change: c.3077+15T>C on transcript NM_000051.4 (MANE Select); 15 bases into the intron after coding-DNA position 3077, T replaced by C.
Molecular consequence: intron variant.
Genome position (GRCh38, 1-based): chr11:108,271,421, T>C. VCF-style: chr11-108271421-T-C. GRCh37 (hg19) VCF-style: chr11-108142148-T-C.
Other names: c.3077+15T>C (NM_001351834.2).
Identifiers: ClinVar variation 490511 (VCV000490511.17), dbSNP rs1555085277, ClinGen allele CA658683768.

ClinVar aggregate classification (germline): Likely benign. Review status: criteria provided, multiple submitters, no conflicts (2 of 4 stars). 5 submissions from 5 submitters: Likely benign (4). 1 of the submissions does not count toward it. Last evaluated 2025-12-29.

Conditions:
Hereditary cancer-predisposing syndrome. Also called: Tumor predisposition; Neoplastic Syndromes, Hereditary; Hereditary Cancer Syndrome; Hereditary neoplastic syndrome. Identifiers: Orphanet 140162, MedGen C0027672, MeSH D009386, MONDO:0015356.
Ataxia-telangiectasia syndrome (AT). Also called: Ataxia-telangiectasia; Ataxia-telangiectasia, complementation group D; AT, COMPLEMENTATION GROUP C; LOUIS-BAR SYNDROME; Cerebello-oculocutaneous telangiectasia; Immunodeficiency with ataxia telangiectasia. Identifiers: Orphanet 100, MedGen C0004135, MONDO:0008840, OMIM 208900.
Malignant tumor of breast. Also called: Malignant breast neoplasm; Cancer breast. Identifiers: MedGen C0006142, MONDO:0007254. Disease mechanism: loss of function.

Allele frequency attached by ClinVar (database versions not stated): gnomAD exomes 0.00001.
gnomAD v4.1: 22 of 1,613,922 alleles (0.0014%); highest among the groups gnomAD compares: Non-Finnish European, 0.0018%; no homozygotes.

Submissions (5):

Labcorp Genetics (formerly Invitae), Labcorp
Classification: Likely benign for Ataxia-telangiectasia syndrome. Last evaluated: 2025-12-29. Review status: criteria provided, single submitter. Criteria: Invitae Variant Classification Sherloc (09022015). Collection method: clinical testing. Allele origin: germline.

Molecular Pathology, Peter Maccallum Cancer Centre
Classification: Likely benign for Ataxia-telangiectasia syndrome. Last evaluated: 2024-02-12. Review status: criteria provided, single submitter. Criteria: ACMG Guidelines, 2015. Collection method: clinical testing. Allele origin: germline. Inheritance: Autosomal recessive inheritance.

Color Diagnostics, LLC DBA Color Health
Classification: Likely benign for Hereditary cancer-predisposing syndrome. Last evaluated: 2017-09-16. Review status: criteria provided, single submitter. Criteria: ACMG Guidelines, 2015. Collection method: clinical testing. Allele origin: germline.

GeneDx
Classification: Likely benign. Last evaluated: 2017-05-11. Review status: criteria provided, single submitter. Criteria: GeneDx Variant Classification (06012015). Collection method: clinical testing. Allele origin: germline. Affected: yes.
Comment: This variant is considered likely benign or benign based on one or more of the following criteria: it is a conservative change, it occurs at a poorly conserved position in the protein, it is predicted to be benign by multiple in silico algorithms, and/or has population frequency not consistent with disease.

Department of Pathology and Laboratory Medicine, Sinai Health System
Classification: Likely benign for Malignant tumor of breast. Review status: no assertion criteria provided. Collection method: clinical testing. Allele origin: unknown. Affected: yes. Observed: 1 variant allele. Study: The Canadian Open Genetics Repository (COGR). Not counted in ClinVar's aggregate classification.
Comment: The ATM c.3077+15T>C variant was not identified in the literature nor was it identified in the dbSNP, or LOVD 3.0 databases. The variant was identified in ClinVar (classified as likely benign by Color and GeneDx). The variant was not identified in the following control databases: the Exome Aggregation Consortium (August 8th 2016), or the Genome Aggregation Database (Feb 27, 2017). The variant occurs outside of the splicing consensus sequence and in silico or computational prediction software programs (SpliceSiteFinder, MaxEntScan, NNSPLICE, GeneSplicer) do not predict a difference in splicing. In summary, based on the above information the clinical significance of this variant cannot be determined with certainty at this time although we would lean towards a more benign role for this variant. This variant is classified as likely benign.